The following is an entry in ClinVar:

ClinVar aggregate classification (germline): Uncertain significance (1 of 4 stars; one submission).

Allele frequency attached by ClinVar (database versions not stated): gnomAD 0.00001; gnomAD exomes 0.00001 and 0.00002; TOPMed 0.00002.
gnomAD v4.1: 31 of 1,599,538 alleles (0.0019%); highest among the groups gnomAD compares: Non-Finnish European, 0.0027%; no homozygotes.

Submission:

Labcorp Genetics (formerly Invitae), Labcorp
Classification: Uncertain significance. Last evaluated: 2025-11-16. Review status: criteria provided, single submitter. Criteria: Invitae Variant Classification Sherloc (09022015). Collection method: clinical testing. Allele origin: germline.
Comment: This sequence change affects a donor splice site in intron 6 of the MS4A1 gene. It is expected to disrupt RNA splicing. Variants that disrupt the donor or acceptor splice site typically lead to a loss of protein function (PMID: 16199547), however the current clinical and genetic evidence is not sufficient to establish whether loss-of-function variants in MS4A1 cause disease. This variant is present in population databases (no rsID available, gnomAD 0.0009%). This variant has not been reported in the literature in individuals affected with MS4A1-related conditions. ClinVar contains an entry for this variant (Variation ID: 1521135). Algorithms developed to predict the effect of sequence changes on RNA splicing suggest that this variant may disrupt the consensus splice site. In summary, the available evidence is currently insufficient to determine the role of this variant in disease. Therefore, it has been classified as a Variant of Uncertain Significance.

Literature cited by the submitters: PubMed 16199547.

NM_152866.3(MS4A1):c.573+1G>T

Gene: MS4A1 (membrane spanning 4-domains A1; plus strand). Cytogenetic location: 11q12.2.
Variant type: single nucleotide variant.
Coding change: c.573+1G>T on transcript NM_152866.3 (MANE Select); the canonical splice donor site of the intron after coding-DNA position 573, G replaced by T.
Molecular consequence: splice donor variant.
Genome position (GRCh38, 1-based): chr11:60,466,158, G>T. VCF-style: chr11-60466158-G-T. GRCh37 (hg19) VCF-style: chr11-60233631-G-T.
Other names: c.573+1G>T (NM_152867.2, NM_021950.4).
Identifiers: ClinVar variation 1521135 (VCV001521135.8), dbSNP rs1350279662, ClinGen allele CA380600287.